The following is an entry in ClinVar:

ClinVar aggregate classification (germline): Uncertain significance. Review status: criteria provided, multiple submitters, no conflicts (2 of 4 stars). 2 submissions from 2 submitters: Uncertain significance (2). Last evaluated 2016-03-18.

Allele frequency attached by ClinVar (database versions not stated): gnomAD exomes below 0.00001 and 0.00002; ExAC 0.00002; gnomAD 0.00004; TOPMed 0.00006; ESP Exome Variant Server 0.00008.
gnomAD v4.1: 12 of 1,614,062 alleles (0.00074%); highest among the groups gnomAD compares: African/African-American, 0.016%; no homozygotes.

Submissions (2):

GeneDx
Classification: Uncertain significance. Last evaluated: 2016-03-18. Review status: criteria provided, single submitter. Criteria: GeneDx Variant Classification (06012015). Collection method: clinical testing. Allele origin: germline. Affected: yes.
Comment: A variant of uncertain significance has been identified in the CEP152 gene. The E372D variant has not been published as a pathogenic variant, nor has it been reported as a benign variant to our knowledge. It was not observed with any significant frequency in approximately 6,100 individuals of European and African American ancestry in the NHLBI Exome Sequencing Project. The E372D variant is a conservative amino acid substitution, which is not likely to impact secondary protein structure as these residues share similar properties, and this substitution occurs at a position that is not conserved. However, in silico analysis is inconsistent in its predictions as to whether or not the variant is damaging to the protein structure/function. Therefore, based on the currently available information, it is unclear whether this variant is a pathogenic variant or a rare benign variant.

Genetic Services Laboratory, University of Chicago
Classification: Uncertain significance. Last evaluated: 2015-11-20. Review status: criteria provided, single submitter. Criteria: ACMG Guidelines, 2015. Collection method: clinical testing. Allele origin: germline. Affected: no.

NM_001194998.2(CEP152):c.1116G>C (p.Glu372Asp)

Gene: CEP152 (centrosomal protein 152; minus strand). Cytogenetic location: 15q21.1.
Variant type: single nucleotide variant.
Coding change: c.1116G>C on transcript NM_001194998.2 (MANE Select); coding-DNA position 1116, G replaced by C.
Protein change: p.Glu372Asp; replaces glutamic acid 372 with aspartic acid.
Molecular consequence: missense variant.
Genome position (GRCh38, 1-based): chr15:48,788,858, C>G on the plus strand (G>C on the coding strand, the complement: CEP152 is on the minus strand). VCF-style: chr15-48788858-C-G. GRCh37 (hg19) VCF-style: chr15-49081055-C-G.
Other names: c.1116G>C, p.Glu372Asp (NM_014985.4); short protein forms E372D.
Identifiers: ClinVar variation 420614 (VCV000420614.7), dbSNP rs369383335, ClinGen allele CA7548946.